The following is an entry in ClinVar:

NM_000310.4(PPT1):c.19C>T (p.Leu7=)

Gene: PPT1 (palmitoyl-protein thioesterase 1; minus strand). Cytogenetic location: 1p34.2.
Variant type: single nucleotide variant.
Coding change: c.19C>T on transcript NM_000310.4 (MANE Select); coding-DNA position 19, C replaced by T.
Protein change: p.Leu7=; no amino-acid change (leucine 7 retained).
Molecular consequence: synonymous variant.
Genome position (GRCh38, 1-based): chr1:40,097,220, G>A on the plus strand (C>T on the coding strand, the complement: PPT1 is on the minus strand). VCF-style: chr1-40097220-G-A. GRCh37 (hg19) VCF-style: chr1-40562892-G-A.
Other names: c.19C>T, p.Leu7= (NM_001142604.2, NM_001363695.2).
Identifiers: ClinVar variation 2172682 (VCV002172682.12), dbSNP rs375262288, ClinGen allele CA789857.
Genomic context (GRCh38, chr1:40,097,220, plus strand): 5'-GATGCTGCAGCGCCCGAGAAGCGCAGGTCCATGGCAGGAGAGCCACAGCCAAGAGCCACA[G>A]GCAGCCGGGCGACGCCATCTTCGCTGTGTCACATGACCGCGGGCGCGAGACTCCGGGAAC-3'
Protein context (NP_000301.1, residues 1-17): MASPGC[Leu7=]WLLAVALLPW

ClinVar aggregate classification (germline): Likely benign. Review status: criteria provided, multiple submitters, no conflicts (2 of 4 stars). 2 submissions from 2 submitters: Likely benign (2). Last evaluated 2025-06-01.

Conditions:
Neuronal ceroid lipofuscinosis 1 (CLN1). Also called: PPT1-Related Neuronal Ceroid-Lipofuscinosis; CEROID LIPOFUSCINOSIS, NEURONAL, 1, VARIABLE AGE AT ONSET. Identifiers: Orphanet 228329, MedGen C1850451, MONDO:0009744, OMIM 256730.

Submissions (2):

CeGaT Center for Human Genetics Tuebingen
Classification: Likely benign. Last evaluated: 2025-06-01. Review status: criteria provided, single submitter. Criteria: CeGaT Center For Human Genetics Tuebingen Variant Classification Criteria Version 2. Collection method: clinical testing. Allele origin: germline. Affected: yes. Observed: 1 variant allele.
Comment: PPT1: BP4, BP7

Labcorp Genetics (formerly Invitae), Labcorp
Classification: Likely benign for Neuronal ceroid lipofuscinosis 1. Last evaluated: 2024-12-02. Review status: criteria provided, single submitter. Criteria: Invitae Variant Classification Sherloc (09022015). Collection method: clinical testing. Allele origin: germline.